The following is an entry in ClinVar:

ClinVar aggregate classification (germline): Conflicting classifications of pathogenicity. Review status: criteria provided, conflicting classifications (1 of 4 stars). 8 submissions from 8 submitters: Likely pathogenic (1); Uncertain significance (6); Uncertain risk allele (1). Last evaluated 2025-06-12.

Conditions:
Rare genetic deafness. Identifiers: Orphanet 96210, MedGen C5680250.
Inborn genetic diseases. Identifiers: MedGen C0950123, MeSH D030342.
Type 2 diabetes mellitus. Also called: Type II diabetes mellitus. Identifiers: MedGen C0011860, MeSH D003924, MONDO:0005148, OMIM 125853, HP:0005978.
Autosomal dominant nonsyndromic hearing loss 6 (LFSNHL). Also called: DEAFNESS, AUTOSOMAL DOMINANT 6; DEAFNESS, AUTOSOMAL DOMINANT 14; DEAFNESS, AUTOSOMAL DOMINANT 38; Autosomal dominant nonsyndromic deafness 6. Identifiers: Orphanet 90635, MedGen C1833021, MONDO:0010963, OMIM 600965.
Wolfram syndrome 1 (WFS1). Identifiers: Orphanet 3463, MedGen C4551693, MONDO:0009101, OMIM 222300.
Wolfram-like syndrome. Also called: HEARING LOSS, PROGRESSIVE, WITH OPTIC ATROPHY AND/OR IMPAIRED GLUCOSE REGULATION. Identifiers: Orphanet 411590, MedGen C3280358, MONDO:0013673, OMIM 614296.
Cataract 41 (CTRCT41). Also called: CATARACT 41, CONGENITAL NUCLEAR TYPE. Identifiers: Orphanet 91492, Orphanet 98991, Orphanet 98992, Orphanet 98995, MedGen C3805412, MONDO:0007287, OMIM 116400.
Monogenic diabetes. Identifiers: Orphanet 183625, MedGen C3888631, MONDO:0015967.

Allele frequency attached by ClinVar (database versions not stated): gnomAD exomes 0.00002 and 0.00006; ExAC 0.00003; ESP Exome Variant Server 0.00008; 1000 Genomes Project 0.00020; gnomAD 0.00006; TOPMed 0.00008; 1000 Genomes Project 30x 0.00016.
gnomAD v4.1: 49 of 1,614,086 alleles (0.003%); highest among the groups gnomAD compares: East Asian, 0.0089%; no homozygotes.

Submissions (8):

Labcorp Genetics (formerly Invitae), Labcorp
Classification: Uncertain significance. Last evaluated: 2025-06-12. Review status: criteria provided, single submitter. Criteria: Invitae Variant Classification Sherloc (09022015). Collection method: clinical testing. Allele origin: germline.
Comment: This sequence change replaces arginine, which is basic and polar, with glutamine, which is neutral and polar, at codon 629 of the WFS1 protein (p.Arg629Gln). This variant is present in population databases (rs146670741, gnomAD 0.03%). This variant has not been reported in the literature in individuals affected with WFS1-related conditions. ClinVar contains an entry for this variant (Variation ID: 45443). Invitae Evidence Modeling of protein sequence and biophysical properties (such as structural, functional, and spatial information, amino acid conservation, physicochemical variation, residue mobility, and thermodynamic stability) has been performed for this missense variant. However, the output from this modeling did not meet the statistical confidence thresholds required to predict the impact of this variant on WFS1 protein function. This variant disrupts the p.Arg629 amino acid residue in WFS1. Other variant(s) that disrupt this residue have been determined to be pathogenic (PMID: 11811080, 12913071, 27468121, 30957632, 31600780). This suggests that this residue is clinically significant, and that variants that disrupt this residue are likely to be disease-causing. In summary, the available evidence is currently insufficient to determine the role of this variant in disease. Therefore, it has been classified as a Variant of Uncertain Significance.

GeneDx
Classification: Uncertain significance. Last evaluated: 2024-07-11. Review status: criteria provided, single submitter. Criteria: GeneDx Variant Classification Process June 2021. Collection method: clinical testing. Allele origin: germline. Affected: yes.
Comment: In silico analysis indicates that this missense variant does not alter protein structure/function; Has not been previously published as pathogenic or benign to our knowledge; This variant is associated with the following publications: (PMID: 12913071, 11811080)

Fulgent Genetics
Classification: Uncertain significance for Cataract 41; Type 2 diabetes mellitus; Wolfram syndrome 1; Autosomal dominant nonsyndromic hearing loss 6; Wolfram-like syndrome. Last evaluated: 2024-04-24. Review status: criteria provided, single submitter. Criteria: ACMG Guidelines, 2015. Collection method: clinical testing. Allele origin: germline.

Genomic Medicine Center of Excellence, King Faisal Specialist Hospital and Research Centre
Classification: Uncertain significance for Wolfram syndrome 1. Last evaluated: 2024-03-29. Review status: criteria provided, single submitter. Criteria: ACMG Guidelines, 2015. Collection method: clinical testing. Allele origin: germline.

Ambry Genetics
Classification: Uncertain significance for Inborn genetic diseases. Last evaluated: 2021-07-22. Review status: criteria provided, single submitter. Criteria: Ambry Variant Classification Scheme 2023. Collection method: clinical testing. Allele origin: germline.
Comment: Unlikely to be causative of autosomal dominant WFS1-related Wolfram syndrome or WFS1-related low-frequency sensorineural hearing loss (AD) Based on insufficient or conflicting evidence, the clinical significance of this alteration remains unclear.

Personalized Diabetes Medicine Program, University of Maryland School of Medicine
Classification: Uncertain significance for Monogenic diabetes. Last evaluated: 2018-01-05. Review status: criteria provided, single submitter. Criteria: ACMG Guidelines, 2015. Collection method: research. Allele origin: unknown. Observed: 1 variant allele, 1 heterozygote.
Comment: ACMG criteria: PP3 (4 predictors), BP4 (6 predictors), PM5 ([ p.Arg629Trp, rs71530910 pathogenic with PS4 (PMIDs:11811080, 25173644, 27468121, and 12913071), PP1 mod (same PMIDs), PP3 (3 predictors), PS3 (PMID: 12913071)=pathogenic]=VUS, high priority

Laboratory for Molecular Medicine, Mass General Brigham Personalized Medicine
Classification: Likely pathogenic for Rare genetic deafness. Last evaluated: 2013-08-06. Review status: criteria provided, single submitter. Criteria: LMM Criteria. Collection method: clinical testing. Allele origin: germline. Inheritance: Autosomal dominant inheritance. Observed: 4 variant alleles.
Comment: The Arg629Gln variant in WFS1 has not been reported in the literature nor previo usly identified by our laboratory in any other families. Another variant at the same locus, Arg629Trp has been reported in 3 individuals with Wolfram syndrome i n the homozygous and compound heterozygous state, and in 4 heterozygous carriers , only one of whom is reported to have hearing loss (Kadayifci 2001, Hoffmann 20 03). Additionally, functional studies have shown that the Arg629Trp variant lead s to instability of the protein (Hoffman 2003). However, this in vitro assay may not accurately represent biological function. Computational analyses (biochemic al amino acid properties, conservation, AlignGVGD, PolyPhen2, and SIFT) suggest that the Arg629Gln variant may not impact the protein, though this information i s not predictive enough to rule out pathogenicity. The Arg629Gln variant has bee n identified in 0.01% (1/8600) of European American chromosomes in a broad popul ation by the NHLBI Exome sequencing project, and 0.1% (2/2178) of chromosomes fr om the 1000 Genomes Project (dbSNP rs14667074 1). Although this variant has been seen in the general population, its frequency is not high enough to rule out a pathogenic role. In summary, this variant is l ikely pathogenic, though additional studies are required to fully establish its clinical significance.

Clinical Genomics, Uppaluri K&H Personalized Medicine Clinic
Classification: Uncertain risk allele for Wolfram syndrome 1. Review status: criteria provided, single submitter. Criteria: K & H Uppaluri Personalized Medicine Clinic Variant Classification & Assertion Criteria_Updated V.1. Collection method: research. Allele origin: unknown. Inheritance: Autosomal recessive inheritance.
Comment: Potent mutations in WFS1 gene are associated with Wolfram's syndrome, an autosomal recessive condition, which cause diabetes mellitus, diabetes insipidus, deafness and optic atrophy. However no sufficient evidence is found to ascertain the role of this particular variant rs146670741 in Wolfram's syndrome yet.

Literature cited by the submitters: PubMed 11811080 (cited by 3 submitters); PubMed 12913071 (cited by 3 submitters); PubMed 27468121 (cited by Labcorp Genetics (formerly Invitae), Labcorp and Personalized Diabetes Medicine Program, University of Maryland School of Medicine); PubMed 30957632 (cited by Labcorp Genetics (formerly Invitae), Labcorp); PubMed 31600780 (cited by Labcorp Genetics (formerly Invitae), Labcorp); PubMed 25173644 (cited by Personalized Diabetes Medicine Program, University of Maryland School of Medicine); PubMed 20738327 (cited by Clinical Genomics, Uppaluri K&H Personalized Medicine Clinic); PubMed 33879153 (cited by Clinical Genomics, Uppaluri K&H Personalized Medicine Clinic); PubMed 12955714 (cited by Clinical Genomics, Uppaluri K&H Personalized Medicine Clinic); PubMed 18060660 (cited by Clinical Genomics, Uppaluri K&H Personalized Medicine Clinic); PubMed 20301750 (cited by Clinical Genomics, Uppaluri K&H Personalized Medicine Clinic); PubMed 17603484 (cited by Clinical Genomics, Uppaluri K&H Personalized Medicine Clinic).

NM_006005.3(WFS1):c.1886G>A (p.Arg629Gln)

Gene: WFS1 (wolframin ER transmembrane glycoprotein; plus strand). Cytogenetic location: 4p16.1.
Variant type: single nucleotide variant.
Coding change: c.1886G>A on transcript NM_006005.3 (MANE Select); coding-DNA position 1886, G replaced by A.
Protein change: p.Arg629Gln; replaces arginine 629 with glutamine.
Molecular consequence: missense variant.
Genome position (GRCh38, 1-based): chr4:6,301,681, G>A. VCF-style: chr4-6301681-G-A. GRCh37 (hg19) VCF-style: chr4-6303408-G-A.
Other names: p.R629Q:CGG>CAG; c.1886G>A, p.Arg629Gln (NM_001145853.1); short protein forms R629Q.
Identifiers: ClinVar variation 45443 (VCV000045443.19), dbSNP rs146670741, ClinGen allele CA261748.
Genomic context (GRCh38, chr4:6,301,681, plus strand): 5'-TGTTGCGCTGGTGGACCAAGGCCAGCTTCTCTGTGGTGGGGATGGTGAAGTCCCTGACGC[G>A]GAGCTCCATGGTCAAGCTCATCCTGGTGTGGCTCACGGCCATCGTGCTGTTCTGCTGGTT-3'
Protein context (NP_005996.2, residues 619-639): SVVGMVKSLT[Arg629Gln]SSMVKLILVW